The following is an entry in ClinVar:

NM_001042750.2(STAG2):c.206G>A (p.Arg69Gln)

Gene: STAG2 (STAG2 cohesin complex component; plus strand). Cytogenetic location: Xq25.
Variant type: single nucleotide variant.
Coding change: c.206G>A on transcript NM_001042750.2 (MANE Select); coding-DNA position 206, G replaced by A.
Protein change: p.Arg69Gln; replaces arginine 69 with glutamine.
Molecular consequence: missense variant.
Genome position (GRCh38, 1-based): chrX:124,031,043, G>A. VCF-style: chrX-124031043-G-A. GRCh37 (hg19) VCF-style: chrX-123164893-G-A.
Other names: c.206G>A, p.Arg69Gln (NM_001042749.2, NM_001042751.2, NM_001282418.2 and 13 more transcripts); short protein forms R69Q.
Identifiers: ClinVar variation 1719120 (VCV001719120.5), dbSNP rs2148062385, ClinGen allele CA414272383.

ClinVar aggregate classification (germline): Uncertain significance (1 of 4 stars; one submission).

Submission:

Labcorp Genetics (formerly Invitae), Labcorp
Classification: Uncertain significance. Last evaluated: 2022-09-09. Review status: criteria provided, single submitter. Criteria: Invitae Variant Classification Sherloc (09022015). Collection method: clinical testing. Allele origin: germline.
Comment: Algorithms developed to predict the effect of missense changes on protein structure and function (SIFT, PolyPhen-2, Align-GVGD) all suggest that this variant is likely to be tolerated. In summary, the available evidence is currently insufficient to determine the role of this variant in disease. Therefore, it has been classified as a Variant of Uncertain Significance. This variant has not been reported in the literature in individuals affected with STAG2-related conditions. This variant is not present in population databases (gnomAD no frequency). This sequence change replaces arginine, which is basic and polar, with glutamine, which is neutral and polar, at codon 69 of the STAG2 protein (p.Arg69Gln).